The following is an entry in ClinVar:

ClinVar aggregate classification (germline): Uncertain significance. Review status: criteria provided, multiple submitters, no conflicts (2 of 4 stars). 2 submissions from 2 submitters: Uncertain significance (2). Last evaluated 2024-03-13.

Submissions (2):

Labcorp Genetics (formerly Invitae), Labcorp
Classification: Uncertain significance. Last evaluated: 2024-03-13. Review status: criteria provided, single submitter. Criteria: Invitae Variant Classification Sherloc (09022015). Collection method: clinical testing. Allele origin: germline.
Comment: This sequence change replaces cysteine, which is neutral and slightly polar, with arginine, which is basic and polar, at codon 4035 of the RNF213 protein (p.Cys4035Arg). This variant is not present in population databases (gnomAD no frequency). This variant has not been reported in the literature in individuals affected with RNF213-related conditions. An algorithm developed to predict the effect of missense changes on protein structure and function (PolyPhen-2) suggests that this variant is likely to be disruptive. In summary, the available evidence is currently insufficient to determine the role of this variant in disease. Therefore, it has been classified as a Variant of Uncertain Significance.

GeneDx
Classification: Uncertain significance. Last evaluated: 2024-03-01. Review status: criteria provided, single submitter. Criteria: GeneDx Variant Classification Process June 2021. Collection method: clinical testing. Allele origin: germline. Affected: yes.
Comment: Not observed at significant frequency in large population cohorts (gnomAD); In silico analysis supports that this missense variant has a deleterious effect on protein structure/function; Has not been previously published as pathogenic or benign to our knowledge

NM_001256071.3(RNF213):c.12103T>C (p.Cys4035Arg)

Genes: RNF213 (ring finger protein 213; plus strand), RNF213-AS1 (RNF213 antisense RNA 1; minus strand). Cytogenetic location: 17q25.3.
Variant type: single nucleotide variant.
Coding change: c.12103T>C on transcript NM_001256071.3 (MANE Select); coding-DNA position 12103, T replaced by C.
Protein change: p.Cys4035Arg; replaces cysteine 4035 with arginine.
Molecular consequence: missense variant.
Genome position (GRCh38, 1-based): chr17:80,368,091, T>C. VCF-style: chr17-80368091-T-C. GRCh37 (hg19) VCF-style: chr17-78341891-T-C.
Other names: c.12250T>C, p.Cys4084Arg (NM_001410195.1, NM_020914.5); short protein forms C4035R, C4084R.
Identifiers: ClinVar variation 3369413 (VCV003369413.3).